The following is an entry in ClinVar:

NM_000681.4(ADRA2A):c.840G>A (p.Glu280=)

Gene: ADRA2A (adrenoceptor alpha 2A; plus strand). Cytogenetic location: 10q25.2.
Variant type: single nucleotide variant.
Coding change: c.840G>A on transcript NM_000681.4 (MANE Select); coding-DNA position 840, G replaced by A.
Protein change: p.Glu280=; no amino-acid change (glutamic acid 280 retained).
Molecular consequence: synonymous variant.
Genome position (GRCh38, 1-based): chr10:111,078,836, G>A. VCF-style: chr10-111078836-G-A. GRCh37 (hg19) VCF-style: chr10-112838594-G-A.
Identifiers: ClinVar variation 3357660 (VCV003357660.1).
Genomic context (GRCh38, chr10:111,078,836, plus strand): 5'-CACCGAGCGCAGGCCCAACGGTCTGGGCCCCGAGCGCAGCGCGGGCCCGGGGGGCGCAGA[G>A]GCCGAACCGCTGCCCACCCAGCTCAACGGCGCCCCTGGCGAGCCCGCGCCGGCCGGGCCG-3'
Protein context (NP_000672.3, residues 270-290): PERSAGPGGA[Glu280=]AEPLPTQLNG

ClinVar aggregate classification (germline): Likely benign (0 of 4 stars; one submission).

Conditions:
ADRA2A-related disorder. Also called: ADRA2A-related condition.

Submission:

PreventionGenetics, part of Exact Sciences
Classification: Likely benign for ADRA2A-related condition. Last evaluated: 2024-07-28. Review status: no assertion criteria provided. Collection method: clinical testing. Allele origin: germline.
Comment: This variant is classified as likely benign based on ACMG/AMP sequence variant interpretation guidelines (Richards et al. 2015 PMID: 25741868, with internal and published modifications).